The following is an entry in ClinVar:

NM_000059.4(BRCA2):c.3422del (p.Thr1141fs)

Gene: BRCA2 (BRCA2 DNA repair associated; plus strand). Cytogenetic location: 13q13.1.
Variant type: Deletion.
Coding change: c.3422del on transcript NM_000059.4 (MANE Select); coding-DNA position 3422, one base deleted (C; older notation c.3422delC).
Protein change: p.Thr1141fs; shifts the reading frame from threonine 1141.
Molecular consequence: frameshift variant.
Genome position (GRCh38, 1-based): chr13:32,337,777, C deleted. VCF-style (leftmost placement, unchanged base first): chr13-32337776-AC-A. GRCh37 (hg19) VCF-style: chr13-32911913-AC-A.
Other names: 3650delC; c.3422delC (NM_000059.3); short protein forms T1141fs.
Identifiers: ClinVar variation 252426 (VCV000252426.11), dbSNP rs879255311, ClinGen allele CA10585893.

ClinVar aggregate classification (germline): Pathogenic. Review status: reviewed by expert panel (3 of 4 stars). 5 submissions from 5 submitters: Pathogenic (1). 4 of the submissions do not count toward it. Last evaluated 2016-10-18.

Conditions:
Hereditary cancer-predisposing syndrome. Also called: Tumor predisposition; Hereditary Cancer Syndrome; Neoplastic Syndromes, Hereditary; Hereditary neoplastic syndrome. Identifiers: Orphanet 140162, MedGen C0027672, MeSH D009386, MONDO:0015356.
Hereditary breast ovarian cancer syndrome. Also called: Hereditary breast and ovarian cancer; Breast and ovarian cancer; Hereditary breast and/or ovarian cancer syndrome; BRCA1- and BRCA2-Associated Hereditary Breast and Ovarian Cancer; Hereditary breast and ovarian cancer syndrome; Hereditary breast and ovarian cancer syndrome (HBOC). Identifiers: Orphanet 145, MedGen C0677776, MeSH D061325, MONDO:0003582. Disease mechanism: loss of function.
Breast-ovarian cancer, familial, susceptibility to, 2 (BROVCA2). Also called: BRCA2 Hereditary Breast and Ovarian Cancer. Identifiers: Orphanet 145, MedGen C2675520, MONDO:0012933, OMIM 612555. Disease mechanism: loss of function.

Submissions (5):

Evidence-based Network for the Interpretation of Germline Mutant Alleles (ENIGMA)
Classification: Pathogenic for Breast-ovarian cancer, familial, susceptibility to, 2. Last evaluated: 2016-10-18. Review status: reviewed by expert panel. Criteria: ENIGMA BRCA1/2 Classification Criteria (2015). Collection method: curation. Allele origin: germline.
Comment: Variant allele predicted to encode a truncated non-functional protein.

Ambry Genetics
Classification: Pathogenic for Hereditary cancer-predisposing syndrome. Last evaluated: 2025-08-12. Review status: criteria provided, single submitter. Criteria: Ambry Variant Classification Scheme 2023. Collection method: clinical testing. Allele origin: germline. Not counted in ClinVar's aggregate classification.
Comment: The c.3422delC pathogenic mutation, located in coding exon 10 of the BRCA2 gene, results from a deletion of one nucleotide at nucleotide position 3422, causing a translational frameshift with a predicted alternate stop codon (p.T1141Nfs*9). This variant is considered to be rare based on population cohorts in the Genome Aggregation Database (gnomAD). This alteration is expected to result in loss of function by premature protein truncation or nonsense-mediated mRNA decay. As such, this alteration is interpreted as a disease-causing mutation.

Labcorp Genetics (formerly Invitae), Labcorp
Classification: Pathogenic for Hereditary breast ovarian cancer syndrome. Last evaluated: 2021-02-12. Review status: criteria provided, single submitter. Criteria: Invitae Variant Classification Sherloc (09022015). Collection method: clinical testing. Allele origin: germline. Not counted in ClinVar's aggregate classification.
Comment: This variant has not been reported in the literature in individuals with BRCA2-related conditions. ClinVar contains an entry for this variant (Variation ID: 252426). This sequence change creates a premature translational stop signal (p.Thr1141Asnfs*9) in the BRCA2 gene. It is expected to result in an absent or disrupted protein product. Loss-of-function variants in BRCA2 are known to be pathogenic (PMID: 20104584). This variant is not present in population databases (ExAC no frequency). For these reasons, this variant has been classified as Pathogenic.

Quest Diagnostics Nichols Institute San Juan Capistrano
Classification: Pathogenic for Breast-ovarian cancer, familial, susceptibility to, 2. Last evaluated: 2015-11-06. Review status: criteria provided, single submitter. Criteria: Quest Diagnostics criteria. Collection method: clinical testing. Allele origin: germline. Inheritance: Autosomal dominant inheritance. Not counted in ClinVar's aggregate classification.

Consortium of Investigators of Modifiers of BRCA1/2 (CIMBA), c/o University of Cambridge
Classification: Pathogenic for Breast-ovarian cancer, familial, susceptibility to, 2. Last evaluated: 2015-10-02. Review status: criteria provided, single submitter. Criteria: CIMBA Mutation Classification guidelines May 2016. Collection method: clinical testing. Allele origin: germline. Not counted in ClinVar's aggregate classification.

Literature cited by the submitters: PubMed 20104584 (cited by Labcorp Genetics (formerly Invitae), Labcorp); PubMed 26295337 (cited by Quest Diagnostics Nichols Institute San Juan Capistrano).